The following is an entry in ClinVar:

NM_003322.6(TULP1):c.875G>A (p.Arg292Gln)

Gene: TULP1 (TUB like protein 1; minus strand). Cytogenetic location: 6p21.31.
Variant type: single nucleotide variant.
Coding change: c.875G>A on transcript NM_003322.6 (MANE Select); coding-DNA position 875, G replaced by A.
Protein change: p.Arg292Gln; replaces arginine 292 with glutamine.
Molecular consequence: missense variant.
Genome position (GRCh38, 1-based): chr6:35,506,127, C>T on the plus strand (G>A on the coding strand, the complement: TULP1 is on the minus strand). VCF-style: chr6-35506127-C-T. GRCh37 (hg19) VCF-style: chr6-35473904-C-T.
Other names: c.716G>A, p.Arg239Gln (NM_001289395.2); short protein forms R292Q, R239Q.
Identifiers: ClinVar variation 356467 (VCV000356467.9), dbSNP rs140460892, ClinGen allele CA3772753.

ClinVar aggregate classification (germline): Uncertain significance. Review status: criteria provided, multiple submitters, no conflicts (2 of 4 stars). 3 submissions from 2 submitters: Uncertain significance (3). Last evaluated 2022-07-12.

Conditions:
Retinitis pigmentosa (RP). Identifiers: Orphanet 791, MedGen C0035334, MeSH D012174, MONDO:0019200, OMIM 268000. Inheritance: Autosomal dominant, autosomal recessive and X linked inheritance.
Leber congenital amaurosis 15 (LCA15). Identifiers: Orphanet 65, MedGen C3151206, MONDO:0013457, OMIM 613843.

Allele frequency attached by ClinVar (database versions not stated): 1000 Genomes Project 0.00020; gnomAD 0.00005 and 0.00004; TOPMed 0.00005; ExAC 0.00008; gnomAD exomes 0.00008 and 0.00011; ESP Exome Variant Server 0.00015; 1000 Genomes Project 30x 0.00016.
gnomAD v4.1: 158 of 1,613,678 alleles (0.0098%); highest among the groups gnomAD compares: South Asian, 0.026%; no homozygotes.

Submissions (3):

Labcorp Genetics (formerly Invitae), Labcorp
Classification: Uncertain significance. Last evaluated: 2022-07-12. Review status: criteria provided, single submitter. Criteria: Invitae Variant Classification Sherloc (09022015). Collection method: clinical testing. Allele origin: germline.
Comment: This sequence change replaces arginine with glutamine at codon 292 of the TULP1 protein (p.Arg292Gln). The arginine residue is weakly conserved and there is a small physicochemical difference between arginine and glutamine. This variant is present in population databases (rs140460892, gnomAD 0.02%). This variant has not been reported in the literature in individuals affected with TULP1-related conditions. ClinVar contains an entry for this variant (Variation ID: 356467). Algorithms developed to predict the effect of missense changes on protein structure and function output the following: SIFT: "Not Available"; PolyPhen-2: "Benign"; Align-GVGD: "Not Available". The glutamine amino acid residue is found in multiple mammalian species, which suggests that this missense change does not adversely affect protein function. In summary, the available evidence is currently insufficient to determine the role of this variant in disease. Therefore, it has been classified as a Variant of Uncertain Significance.

Illumina Laboratory Services, Illumina
Classification: Uncertain significance for Retinitis pigmentosa. Last evaluated: 2018-01-13. Review status: criteria provided, single submitter. Criteria: ICSL Variant Classification Criteria 13 December 2019. Collection method: clinical testing. Allele origin: germline.

Illumina Laboratory Services, Illumina
Classification: Uncertain significance for Leber congenital amaurosis 15. Last evaluated: 2018-01-13. Review status: criteria provided, single submitter. Criteria: ICSL Variant Classification Criteria 13 December 2019. Collection method: clinical testing. Allele origin: germline.